The following is an entry in ClinVar:

ClinVar aggregate classification (germline): Pathogenic (0 of 4 stars; one submission).

Conditions:
Microphthalmia with limb anomalies (MLA). Also called: ANOPHTHALMIA-SYNDACTYLY; OPHTHALMOACROMELIC SYNDROME; MICROPHTHALMIA AND LIMB ANOMALIES. Identifiers: Orphanet 1106, MedGen C0599973, MONDO:0008800, OMIM 206920.

Allele frequency attached by ClinVar (database versions not stated): gnomAD exomes below 0.00001; TOPMed below 0.00001.

Submission:

Laboratory of Medical Genetics, University of Torino
Classification: Pathogenic for Microphthalmia with limb anomalies. Review status: no assertion criteria provided. Collection method: literature only. Allele origin: inherited. Affected: yes. Observed: 2 variant alleles.
Comment: Found in homozygosity

Literature cited by the submitters: PubMed 23646827.

NM_001034852.3(SMOC1):c.857G>A (p.Arg286His)

Genes: SMOC1 (SPARC related modular calcium binding 1; plus strand), LOC126861980 (MED14-independent group 3 enhancer GRCh37_chr14:70477330-70478529; plus strand). Cytogenetic location: 14q24.2.
Variant type: single nucleotide variant.
Coding change: c.857G>A on transcript NM_001034852.3 (MANE Select); coding-DNA position 857, G replaced by A.
Protein change: p.Arg286His; replaces arginine 286 with histidine.
Molecular consequence: missense variant.
Genome position (GRCh38, 1-based): chr14:70,010,946, G>A. VCF-style: chr14-70010946-G-A. GRCh37 (hg19) VCF-style: chr14-70477663-G-A.
Other names: c.857G>A, p.Arg286His (NM_022137.6); short protein forms R286H.
Identifiers: ClinVar variation 562137 (VCV000562137.2), dbSNP rs1365818420, ClinGen allele CA390209072.